The following is an entry in ClinVar:

NM_000257.4(MYH7):c.3160A>G (p.Lys1054Glu)

Gene: MYH7 (myosin heavy chain 7; minus strand). Cytogenetic location: 14q11.2.
Variant type: single nucleotide variant.
Coding change: c.3160A>G on transcript NM_000257.4 (MANE Select); coding-DNA position 3160, A replaced by G.
Protein change: p.Lys1054Glu; replaces lysine 1054 with glutamic acid.
Molecular consequence: missense variant.
Genome position (GRCh38, 1-based): chr14:23,422,265, T>C on the plus strand (A>G on the coding strand, the complement: MYH7 is on the minus strand). VCF-style: chr14-23422265-T-C. GRCh37 (hg19) VCF-style: chr14-23891474-T-C.
Other names: p.K1054E:AAG>GAG; c.3160A>G (LRG_384t1); short protein forms K1054E.
Identifiers: ClinVar variation 181215 (VCV000181215.13), dbSNP rs730880768, ClinGen allele CA013421.
Genomic context (GRCh38, chr14:23,422,265, plus strand): 5'-GCTTGTCATTCTCCAGGTCCATGATGCTCTCCTGGGTCAGCTTCAGGTCGCCCTCCAGCT[T>C]CCGCTTCGCTCGCTCCAGGTCCATGCGCACCTTCTTCTCTTGCTCCAGGGATCCTTCCAG-3'
Protein context (NP_000248.2, residues 1044-1064): VRMDLERAKR[Lys1054Glu]LEGDLKLTQE

ClinVar aggregate classification (germline): Conflicting classifications of pathogenicity. Review status: criteria provided, conflicting classifications (1 of 4 stars). 4 submissions from 4 submitters: Likely pathogenic (1); Uncertain significance (3). Last evaluated 2025-07-15.

Conditions:
Cardiovascular phenotype. Identifiers: MedGen CN230736.
Hypertrophic cardiomyopathy 1 (CMH1). Also called: Familial hypertrophic cardiomyopathy 1; MYH7-Related Familial Hypertrophic Cardiomyopathy. Identifiers: MedGen C3495498, MONDO:0008647, OMIM 192600.
Hypertrophic cardiomyopathy. Also called: HYPERTROPHIC MYOCARDIOPATHY. Identifiers: Orphanet 217569, MedGen C0007194, MeSH D002312, MONDO:0005045, HP:0001639.

Allele frequency attached by ClinVar (database versions not stated): gnomAD exomes below 0.00001.
gnomAD v4.1: 1 of 1,614,096 alleles (0.000062%); highest among the groups gnomAD compares: Non-Finnish European, 0.000085%; no homozygotes.

Submissions (4):

3billion
Classification: Uncertain significance for Hypertrophic cardiomyopathy 1. Last evaluated: 2025-07-15. Review status: criteria provided, single submitter. Criteria: ACMG Guidelines, 2015. Collection method: clinical testing. Allele origin: germline. Affected: yes.
Comment: The variant is observed at an extremely low frequency in the gnomAD v4.1.0 dataset (total allele frequency: <0.001%). Predicted Consequence/Location: Missense variant In silico tool predictions suggest damaging effect of the variant on gene or gene product [REVEL: 0.86 (>=0.6, sensitivity 0.68 and specificity 0.92); 3Cnet: 0.99 (> 0.75, sensitivity 0.96 and precision 0.92)]. The same nucleotide change resulting in the same amino acid change has been previously reported to be associated with MYH7-related disorder (ClinVar ID: VCV000181215). However, the evidence of pathogenicity is insufficient at this time. Therefore, this variant is classified as VUS according to the recommendation of ACMG/AMP guideline.

Ambry Genetics
Classification: Uncertain significance for Cardiovascular phenotype. Last evaluated: 2024-08-12. Review status: criteria provided, single submitter. Criteria: Ambry Variant Classification Scheme 2023. Collection method: clinical testing. Allele origin: germline.
Comment: The p.K1054E variant (also known as c.3160A>G), located in coding exon 23 of the MYH7 gene, results from an A to G substitution at nucleotide position 3160. The lysine at codon 1054 is replaced by glutamic acid, an amino acid with similar properties. This amino acid position is highly conserved in available vertebrate species. In addition, this alteration is predicted to be deleterious by in silico analysis. Based on the available evidence, the clinical significance of this variant remains unclear.

Labcorp Genetics (formerly Invitae), Labcorp
Classification: Uncertain significance for Hypertrophic cardiomyopathy. Last evaluated: 2019-01-27. Review status: criteria provided, single submitter. Criteria: Invitae Variant Classification Sherloc (09022015). Collection method: clinical testing. Allele origin: germline.
Comment: In summary, the available evidence is currently insufficient to determine the role of this variant in disease. Therefore, it has been classified as a Variant of Uncertain Significance. Algorithms developed to predict the effect of missense changes on protein structure and function are either unavailable or do not agree on the potential impact of this missense change (SIFT: "Deleterious"; PolyPhen-2: "Probably Damaging"; Align-GVGD: "Class C0"). This variant has not been reported in the literature in individuals with MYH7-related conditions. ClinVar contains an entry for this variant (Variation ID: 181215). This variant is not present in population databases (ExAC no frequency). This sequence change replaces lysine with glutamic acid at codon 1054 of the MYH7 protein (p.Lys1054Glu). The lysine residue is highly conserved and there is a small physicochemical difference between lysine and glutamic acid.

GeneDx
Classification: Likely pathogenic. Last evaluated: 2014-05-29. Review status: criteria provided, single submitter. Criteria: GeneDx Variant Classification (06012015). Collection method: clinical testing. Allele origin: germline. Affected: yes.
Comment: p.Lys1054Glu (AAG>GAG): c.3160 A>G in exon 25 of the MYH7 gene (NM_000257.2). A K1054E variant that is likely pathogenic was identified in the MYH7 gene. It has not been published as a mutation, nor has it been reported as a benign polymorphism to our knowledge. The K1054E variant was not observed in approximately 6500 individuals of European and African American ancestry in the NHLBI Exome Sequencing Project, indicating it is not a common benign variant in these populations. The K1054E variant is a non-conservative amino acid substitution, which is likely to impact secondary protein structure as these residues differ in polarity, charge, size and/or other properties. This substitution occurs at a position in the coiled-coil domain that is conserved across species. In silico analysis predicts this variant is probably damaging to the protein structure/function. Missense mutations in nearby residues (R1053Q, E1056D) have been reported in association with cardiomyopathy, supporting the functional importance of this region of the protein. Therefore, this variant is a strong candidate for a pathogenic mutation, however the possibility that it is a benign variant cannot be excluded. The variant is found in HCM panel(s).